The following is an entry in ClinVar:

NM_033305.3(VPS13A):c.7806G>A (p.Pro2602=)

Gene: VPS13A (vacuolar protein sorting 13 homolog A; plus strand). Cytogenetic location: 9q21.2.
Variant type: single nucleotide variant.
Coding change: c.7806G>A on transcript NM_033305.3 (MANE Select); coding-DNA position 7806, G replaced by A.
Protein change: p.Pro2602=; no amino-acid change (proline 2602 retained).
Molecular consequence: synonymous variant.
Genome position (GRCh38, 1-based): chr9:77,356,867, G>A. VCF-style: chr9-77356867-G-A. GRCh37 (hg19) VCF-style: chr9-79971783-G-A.
Other names: c.7689G>A, p.Pro2563= (NM_001018037.2); c.7806G>A, p.Pro2602= (NM_001018038.3, NM_015186.4).
Identifiers: ClinVar variation 2054570 (VCV002054570.4), dbSNP rs745464654, ClinGen allele CA5093428.

ClinVar aggregate classification (germline): Pathogenic (1 of 4 stars; one submission).

Allele frequency attached by ClinVar (database versions not stated): gnomAD exomes below 0.00001; TOPMed below 0.00001; ExAC 0.00001.
gnomAD v4.1: 4 of 1,613,428 alleles (0.00025%); highest among the groups gnomAD compares: African/African-American, 0.0013%; no homozygotes.

Submission:

Labcorp Genetics (formerly Invitae), Labcorp
Classification: Pathogenic. Last evaluated: 2023-11-10. Review status: criteria provided, single submitter. Criteria: Invitae Variant Classification Sherloc (09022015). Collection method: clinical testing. Allele origin: germline.
Comment: This sequence change affects codon 2602 of the VPS13A mRNA. It is a 'silent' change, meaning that it does not change the encoded amino acid sequence of the VPS13A protein. This variant also falls at the last nucleotide of exon 55, which is part of the consensus splice site for this exon. This variant is present in population databases (rs745464654, gnomAD 0.007%). This variant has been observed in individual(s) with chorea-acanthocytosis (PMID: 12404112, 22355334; Invitae). In at least one individual the data is consistent with being in trans (on the opposite chromosome) from a pathogenic variant. ClinVar contains an entry for this variant (Variation ID: 2054570). Variants that disrupt the consensus splice site are a relatively common cause of aberrant splicing (PMID: 17576681, 9536098). Algorithms developed to predict the effect of sequence changes on RNA splicing suggest that this variant may disrupt the consensus splice site. For these reasons, this variant has been classified as Pathogenic.

Literature cited by the submitters: PubMed 12404112; PubMed 22355334; PubMed 17576681; PubMed 9536098.